The following is an entry in ClinVar:

NM_030962.4(SBF2):c.4760C>G (p.Thr1587Ser)

Genes: SBF2 (SET binding factor 2; minus strand), SBF2-AS1 (SBF2 antisense RNA 1; plus strand), LOC105369149 (uncharacterized LOC105369149; plus strand). Cytogenetic location: 11p15.4.
Variant type: single nucleotide variant.
Coding change: c.4760C>G on transcript NM_030962.4 (MANE Select); coding-DNA position 4760, C replaced by G.
Protein change: p.Thr1587Ser; replaces threonine 1587 with serine.
Molecular consequence: missense variant.
Genome position (GRCh38, 1-based): chr11:9,789,281, G>C on the plus strand (C>G on the coding strand, the complement: SBF2 is on the minus strand). VCF-style: chr11-9789281-G-C. GRCh37 (hg19) VCF-style: chr11-9810828-G-C.
Other names: c.4856C>G, p.Thr1619Ser (NM_001386339.1); c.4631C>G, p.Thr1544Ser (NM_001386342.1); short protein forms T1587S, T1544S, T1619S.
Identifiers: ClinVar variation 452608 (VCV000452608.2), dbSNP rs1554900597, ClinGen allele CA379634291.

ClinVar aggregate classification (germline): Uncertain significance (1 of 4 stars; one submission).

Submission:

GeneDx
Classification: Uncertain significance. Last evaluated: 2017-10-05. Review status: criteria provided, single submitter. Criteria: GeneDx Variant Classification (06012015). Collection method: clinical testing. Allele origin: germline. Affected: yes.
Comment: A variant of uncertain significance has been identified in the SBF2 gene. The T1587S variant has not been published as a pathogenic variant, nor has it been reported as a benign variant to our knowledge. The T1587S variant is not observed in large population cohorts (Lek et al., 2016). The T1587S variant is a conservative amino acid substitution, which is not likely to impact secondary protein structure as these residues share similar properties. However, this substitution occurs at a position that is conserved in mammals. In silico analysis is inconsistent in its predictions as to whether or not the variant is damaging to the protein structure/function. Therefore, based on the currently available information, it is unclear whether this variant is a pathogenic variant or a rare benign variant.